The following is an entry in ClinVar:

ClinVar aggregate classification (germline): Uncertain significance. Review status: criteria provided, multiple submitters, no conflicts (2 of 4 stars). 2 submissions from 2 submitters: Uncertain significance (2). Last evaluated 2025-07-12.

Allele frequency attached by ClinVar (database versions not stated): gnomAD 0.00001; TOPMed 0.00001; ExAC 0.00002; gnomAD exomes 0.00004.
gnomAD v4.1: 65 of 1,611,998 alleles (0.004%); highest among the groups gnomAD compares: Non-Finnish European, 0.0053%; no homozygotes.

Submissions (2):

Ambry Genetics
Classification: Uncertain significance. Last evaluated: 2025-07-12. Review status: criteria provided, single submitter. Criteria: Ambry Variant Classification Scheme 2023. Collection method: clinical testing. Allele origin: germline.
Comment: The p.G1009E variant (also known as c.3026G>A) is located in coding exon 25 of the A2ML1 gene. The glycine at codon 1009 is replaced by glutamic acid, an amino acid with similar properties. This change occurs in the first base pair of coding exon 25. This amino acid position is conserved. In addition, this alteration is predicted to be deleterious by in silico analysis. Since supporting evidence is limited at this time, the clinical significance of this alteration remains unclear.

Labcorp Genetics (formerly Invitae), Labcorp
Classification: Uncertain significance. Last evaluated: 2025-01-21. Review status: criteria provided, single submitter. Criteria: Invitae Variant Classification Sherloc (09022015). Collection method: clinical testing. Allele origin: germline.
Comment: This sequence change replaces glycine, which is neutral and non-polar, with glutamic acid, which is acidic and polar, at codon 1009 of the A2ML1 protein (p.Gly1009Glu). This variant is present in population databases (rs751552347, gnomAD 0.007%). This variant has not been reported in the literature in individuals affected with A2ML1-related conditions. ClinVar contains an entry for this variant (Variation ID: 1798965). An algorithm developed to predict the effect of missense changes on protein structure and function (PolyPhen-2) suggests that this variant is likely to be disruptive. Algorithms developed to predict the effect of sequence changes on RNA splicing suggest that this variant may disrupt the consensus splice site. In summary, the available evidence is currently insufficient to determine the role of this variant in disease. Therefore, it has been classified as a Variant of Uncertain Significance.

NM_144670.6(A2ML1):c.3026G>A (p.Gly1009Glu)

Gene: A2ML1 (alpha-2-macroglobulin like 1; plus strand). Cytogenetic location: 12p13.31.
Variant type: single nucleotide variant.
Coding change: c.3026G>A on transcript NM_144670.6 (MANE Select); coding-DNA position 3026, G replaced by A.
Protein change: p.Gly1009Glu; replaces glycine 1009 with glutamic acid.
Molecular consequence: missense variant.
Genome position (GRCh38, 1-based): chr12:8,857,507, G>A. VCF-style: chr12-8857507-G-A. GRCh37 (hg19) VCF-style: chr12-9010103-G-A.
Other names: c.1553G>A, p.Gly518Glu (NM_001282424.3); short protein forms G1009E, G518E.
Identifiers: ClinVar variation 1798965 (VCV001798965.9), dbSNP rs751552347, ClinGen allele CA6436240.
Genomic context (GRCh38, chr12:8,857,507, plus strand): 5'-CGGCATGGGGGTGTTTTCTGAAGTTGTCGCTGTGATCTAAAACCACATTTGGCTTCCCAG[G>A]GTACCAGAAGGAGCTGATGTACAAACACAGCAATGGCTCATACAGTGCCTTTGGGGAGCG-3'
Protein context (NP_653271.3, residues 999-1019): RSRAVGFLEI[Gly1009Glu]YQKELMYKHS